The following is an entry in ClinVar:

NM_001378454.1(ALMS1):c.5111C>T (p.Thr1704Ile)

Gene: ALMS1 (ALMS1 centrosome and basal body associated protein; plus strand). Cytogenetic location: 2p13.1.
Variant type: single nucleotide variant.
Coding change: c.5111C>T on transcript NM_001378454.1 (MANE Select); coding-DNA position 5111, C replaced by T.
Protein change: p.Thr1704Ile; replaces threonine 1704 with isoleucine.
Molecular consequence: missense variant.
Genome position (GRCh38, 1-based): chr2:73,451,638, C>T. VCF-style: chr2-73451638-C-T. GRCh37 (hg19) VCF-style: chr2-73678765-C-T.
Other names: c.5114C>T, p.Thr1705Ile (NM_015120.4); short protein forms T1704I, T1705I.
Identifiers: ClinVar variation 987787 (VCV000987787.6), dbSNP rs755683870, ClinGen allele CA1713823.

ClinVar aggregate classification (germline): Uncertain significance. Review status: criteria provided, multiple submitters, no conflicts (2 of 4 stars). 4 submissions from 4 submitters: Uncertain significance (3). 1 of the submissions does not count toward it. Last evaluated 2026-08-01.

Conditions:
Alstrom syndrome (ALMS). Identifiers: Orphanet 64, MedGen C0268425, MONDO:0008763, OMIM 203800.

Allele frequency attached by ClinVar (database versions not stated): gnomAD below 0.00001 and 0.00001; TOPMed below 0.00001; ExAC 0.00001; gnomAD exomes 0.00001 and 0.00002.
gnomAD v4.1: 25 of 1,613,800 alleles (0.0015%); highest among the groups gnomAD compares: South Asian, 0.023%; no homozygotes.

Submissions (4):

CeGaT Center for Human Genetics Tuebingen
Classification: Uncertain significance. Last evaluated: 2026-08-01. Review status: criteria provided, single submitter. Criteria: CeGaT Center For Human Genetics Tuebingen Variant Classification Criteria Version 2. Collection method: clinical testing. Allele origin: germline. Affected: yes. Observed: 1 variant allele.
Comment: ALMS1: PM2, BP4

Labcorp Genetics (formerly Invitae), Labcorp
Classification: Uncertain significance for Alstrom syndrome. Last evaluated: 2022-09-07. Review status: criteria provided, single submitter. Criteria: Invitae Variant Classification Sherloc (09022015). Collection method: clinical testing. Allele origin: germline.
Comment: This sequence change replaces threonine, which is neutral and polar, with isoleucine, which is neutral and non-polar, at codon 1705 of the ALMS1 protein (p.Thr1705Ile). This variant is present in population databases (rs755683870, gnomAD 0.02%). This variant has not been reported in the literature in individuals affected with ALMS1-related conditions. ClinVar contains an entry for this variant (Variation ID: 987787). Experimental studies and prediction algorithms are not available or were not evaluated, and the functional significance of this variant is currently unknown. In summary, the available evidence is currently insufficient to determine the role of this variant in disease. Therefore, it has been classified as a Variant of Uncertain Significance.

Women's Health and Genetics/Laboratory Corporation of America, LabCorp
Classification: Uncertain significance. Last evaluated: 2020-11-16. Review status: criteria provided, single submitter. Criteria: LabCorp Variant Classification Summary - May 2015. Collection method: clinical testing. Allele origin: germline.
Comment: Variant summary: ALMS1 c.5108C>T (p.Thr1703Ile) results in a non-conservative amino acid change located in an Alstrom syndrome repeat (IPR040972) in the encoded protein sequence. Four of five in-silico tools predict a benign effect of the variant on protein function. The variant allele was found at a frequency of 2e-05 in 249216 control chromosomes (gnomAD). The available data on variant occurrences in the general population are insufficient to allow any conclusion about variant significance. To our knowledge, no occurrence of c.5108C>T in individuals affected with Alstrom Syndrome with Dilated Cardiomyopathy and no experimental evidence demonstrating its impact on protein function have been reported. No clinical diagnostic laboratories have submitted clinical-significance assessments for this variant to ClinVar after 2014. Based on the evidence outlined above, the variant was classified as uncertain significance.

Natera, Inc.
Classification: Uncertain significance for Alstrom syndrome. Last evaluated: 2021-01-29. Review status: no assertion criteria provided. Collection method: clinical testing. Allele origin: germline. Not counted in ClinVar's aggregate classification.